The following is an entry in ClinVar:

NM_000257.4(MYH7):c.5283+2T>C

Genes: MYH7 (myosin heavy chain 7; minus strand), LOC126861897 (BRD4-independent group 4 enhancer GRCh37_chr14:23884455-23885654; plus strand). Cytogenetic location: 14q11.2.
Variant type: single nucleotide variant.
Coding change: c.5283+2T>C on transcript NM_000257.4 (MANE Select); the canonical splice donor site of the intron after coding-DNA position 5283, T replaced by C.
Molecular consequence: splice donor variant.
Genome position (GRCh38, 1-based): chr14:23,415,379, A>G on the plus strand (T>C on the coding strand, the complement: MYH7 is on the minus strand). VCF-style: chr14-23415379-A-G. GRCh37 (hg19) VCF-style: chr14-23884588-A-G.
Other names: c.5283+2T>C (NM_001407004.1).
Identifiers: ClinVar variation 1512836 (VCV001512836.6), dbSNP rs2138639201, ClinGen allele CA389036027.

ClinVar aggregate classification (germline): Uncertain significance (1 of 4 stars; one submission).

Conditions:
Hypertrophic cardiomyopathy. Also called: HYPERTROPHIC MYOCARDIOPATHY. Identifiers: Orphanet 217569, MedGen C0007194, MeSH D002312, MONDO:0005045, HP:0001639.

Allele frequency attached by ClinVar (database versions not stated): gnomAD exomes below 0.00001.
gnomAD v4.1: 1 of 1,614,190 alleles (0.000062%); highest among the groups gnomAD compares: Non-Finnish European, 0.000085%; no homozygotes.

Submission:

Labcorp Genetics (formerly Invitae), Labcorp
Classification: Uncertain significance for Hypertrophic cardiomyopathy. Last evaluated: 2021-08-15. Review status: criteria provided, single submitter. Criteria: Invitae Variant Classification Sherloc (09022015). Collection method: clinical testing. Allele origin: germline.
Comment: This sequence change affects a donor splice site in intron 36 of the MYH7 gene. It is expected to disrupt RNA splicing. Variants that disrupt the donor or acceptor splice site typically lead to a loss of protein function (PMID: 16199547), however the current clinical and genetic evidence is not sufficient to establish whether loss-of-function variants in MYH7 cause disease. This variant is not present in population databases (ExAC no frequency). This variant has not been reported in the literature in individuals affected with MYH7-related conditions. Algorithms developed to predict the effect of sequence changes on RNA splicing suggest that this variant may disrupt the consensus splice site. In summary, the available evidence is currently insufficient to determine the role of this variant in disease. Therefore, it has been classified as a Variant of Uncertain Significance.

Literature cited by the submitters: PubMed 16199547.